The following is an entry in ClinVar:

ClinVar aggregate classification (germline): Uncertain significance (1 of 4 stars; one submission).

Submission:

Labcorp Genetics (formerly Invitae), Labcorp
Classification: Uncertain significance. Last evaluated: 2024-05-13. Review status: criteria provided, single submitter. Criteria: Invitae Variant Classification Sherloc (09022015). Collection method: clinical testing. Allele origin: germline.
Comment: This sequence change affects codon 444 of the AASS mRNA. It is a 'silent' change, meaning that it does not change the encoded amino acid sequence of the AASS protein. This variant is not present in population databases (gnomAD no frequency). This variant has not been reported in the literature in individuals affected with AASS-related conditions. Algorithms developed to predict the effect of sequence changes on RNA splicing suggest that this variant may create or strengthen a splice site. In summary, the available evidence is currently insufficient to determine the role of this variant in disease. Therefore, it has been classified as a Variant of Uncertain Significance.

NM_005763.4(AASS):c.1332G>A (p.Val444=)

Gene: AASS (aminoadipate-semialdehyde synthase; minus strand). Cytogenetic location: 7q31.32.
Variant type: single nucleotide variant.
Coding change: c.1332G>A on transcript NM_005763.4 (MANE Select); coding-DNA position 1332, G replaced by A.
Protein change: p.Val444=; no amino-acid change (valine 444 retained).
Molecular consequence: synonymous variant.
Genome position (GRCh38, 1-based): chr7:122,101,627, C>T on the plus strand (G>A on the coding strand, the complement: AASS is on the minus strand). VCF-style: chr7-122101627-C-T. GRCh37 (hg19) VCF-style: chr7-121741681-C-T.
Identifiers: ClinVar variation 3605311 (VCV003605311.2).